The following is an entry in ClinVar:

NM_006914.4(RORB):c.546T>C (p.Pro182=)

Gene: RORB (RAR related orphan receptor B; plus strand). Cytogenetic location: 9q21.13.
Variant type: single nucleotide variant.
Coding change: c.546T>C on transcript NM_006914.4 (MANE Select); coding-DNA position 546, T replaced by C.
Protein change: p.Pro182=; no amino-acid change (proline 182 retained).
Molecular consequence: synonymous variant.
Genome position (GRCh38, 1-based): chr9:74,642,724, T>C. VCF-style: chr9-74642724-T-C. GRCh37 (hg19) VCF-style: chr9-77257640-T-C.
Other names: c.579T>C, p.Pro193= (NM_001365023.1); c.546T>C (NM_006914.3).
Identifiers: ClinVar variation 1536980 (VCV001536980.11), dbSNP rs138573421, ClinGen allele CA5083389.

ClinVar aggregate classification (germline): Benign/Likely benign. Review status: criteria provided, multiple submitters, no conflicts (2 of 4 stars). 3 submissions from 3 submitters: Benign (1); Likely benign (1). 1 of the submissions does not count toward it. Last evaluated 2026-01-01.

Conditions:
RORB-related disorder. Also called: RORB-related condition.

Allele frequency attached by ClinVar (database versions not stated): TOPMed 0.00012; gnomAD 0.00013 and 0.00014; ESP Exome Variant Server 0.00015; gnomAD exomes 0.00026 and 0.00027; 1000 Genomes Project 30x 0.00031; ExAC 0.00039; 1000 Genomes Project 0.00040.
gnomAD v4.1: 412 of 1,614,162 alleles (0.026%); highest among the groups gnomAD compares: South Asian, 0.21%; 1 homozygote.

Submissions (3):

Labcorp Genetics (formerly Invitae), Labcorp
Classification: Benign. Last evaluated: 2026-01-01. Review status: criteria provided, single submitter. Criteria: Invitae Variant Classification Sherloc (09022015). Collection method: clinical testing. Allele origin: germline.

Blueprint Genetics
Classification: Likely benign. Last evaluated: 2024-07-31. Review status: criteria provided, single submitter. Criteria: ACMG Guidelines, 2015. Collection method: clinical testing. Allele origin: germline.

PreventionGenetics, part of Exact Sciences
Classification: Likely benign for RORB-related condition. Last evaluated: 2019-04-19. Review status: no assertion criteria provided. Collection method: clinical testing. Allele origin: germline. Not counted in ClinVar's aggregate classification.
Comment: This variant is classified as likely benign based on ACMG/AMP sequence variant interpretation guidelines (Richards et al. 2015 PMID: 25741868, with internal and published modifications).